The following is an entry in ClinVar:

NM_014639.4(SKIC3):c.4084G>A (p.Val1362Ile)

Gene: SKIC3 (SKI3 subunit of superkiller complex; minus strand). Cytogenetic location: 5q15.
Variant type: single nucleotide variant.
Coding change: c.4084G>A on transcript NM_014639.4 (MANE Select); coding-DNA position 4084, G replaced by A.
Protein change: p.Val1362Ile; replaces valine 1362 with isoleucine.
Molecular consequence: missense variant.
Genome position (GRCh38, 1-based): chr5:95,482,601, C>T on the plus strand (G>A on the coding strand, the complement: SKIC3 is on the minus strand). VCF-style: chr5-95482601-C-T. GRCh37 (hg19) VCF-style: chr5-94818305-C-T.
Other names: c.4084G>A (NM_014639.3); short protein forms V1362I.
Identifiers: ClinVar variation 1399473 (VCV001399473.4), dbSNP rs533981318, ClinGen allele CA3346499.

ClinVar aggregate classification (germline): Uncertain significance. Review status: criteria provided, multiple submitters, no conflicts (2 of 4 stars). 2 submissions from 2 submitters: Uncertain significance (2). Last evaluated 2022-11-18.

Conditions:
Inborn genetic diseases. Identifiers: MedGen C0950123, MeSH D030342.

Allele frequency attached by ClinVar (database versions not stated): gnomAD 0.00001 and 0.00002; gnomAD exomes 0.00003 and 0.00004; TOPMed 0.00003; ExAC 0.00004; 1000 Genomes Project 30x 0.00016; 1000 Genomes Project 0.00020.
gnomAD v4.1: 61 of 1,613,824 alleles (0.0038%); highest among the groups gnomAD compares: East Asian, 0.0045%; no homozygotes.

Submissions (2):

Ambry Genetics
Classification: Uncertain significance for Inborn genetic diseases. Last evaluated: 2022-11-18. Review status: criteria provided, single submitter. Criteria: Ambry Variant Classification Scheme 2023. Collection method: clinical testing. Allele origin: germline.

Labcorp Genetics (formerly Invitae), Labcorp
Classification: Uncertain significance. Last evaluated: 2021-10-15. Review status: criteria provided, single submitter. Criteria: Invitae Variant Classification Sherloc (09022015). Collection method: clinical testing. Allele origin: germline.
Comment: This sequence change replaces valine with isoleucine at codon 1362 of the TTC37 protein (p.Val1362Ile). The valine residue is moderately conserved and there is a small physicochemical difference between valine and isoleucine. This variant is present in population databases (rs533981318, ExAC 0.01%). This variant has not been reported in the literature in individuals affected with TTC37-related conditions. Algorithms developed to predict the effect of missense changes on protein structure and function output the following: SIFT: "Tolerated"; PolyPhen-2: "Benign"; Align-GVGD: "Class C0". The isoleucine amino acid residue is found in multiple mammalian species, which suggests that this missense change does not adversely affect protein function. In summary, the available evidence is currently insufficient to determine the role of this variant in disease. Therefore, it has been classified as a Variant of Uncertain Significance.